The following is an entry in ClinVar:

NM_015557.3(CHD5):c.5396C>T (p.Ala1799Val)

Gene: CHD5 (chromodomain helicase DNA binding protein 5; minus strand). Cytogenetic location: 1p36.31.
Variant type: single nucleotide variant.
Coding change: c.5396C>T on transcript NM_015557.3 (MANE Select); coding-DNA position 5396, C replaced by T.
Protein change: p.Ala1799Val; replaces alanine 1799 with valine.
Molecular consequence: missense variant.
Genome position (GRCh38, 1-based): chr1:6,109,977, G>A on the plus strand (C>T on the coding strand, the complement: CHD5 is on the minus strand). VCF-style: chr1-6109977-G-A. GRCh37 (hg19) VCF-style: chr1-6170037-G-A.
Other names: short protein forms A1799V.
Identifiers: ClinVar variation 5039654 (VCV005039654.1).

ClinVar aggregate classification (germline): Uncertain significance (1 of 4 stars; one submission).

gnomAD v4.1: 3 of 1,542,114 alleles (0.00019%); highest among the groups gnomAD compares: Non-Finnish European, 0.00026%; no homozygotes.

Submission:

CeGaT Center for Human Genetics Tuebingen
Classification: Uncertain significance. Last evaluated: 2026-07-01. Review status: criteria provided, single submitter. Criteria: CeGaT Center For Human Genetics Tuebingen Variant Classification Criteria Version 2. Collection method: clinical testing. Allele origin: germline. Affected: yes. Observed: 1 variant allele.
Comment: CHD5: PP3